The following is an entry in ClinVar:

NM_016507.4(CDK12):c.4352G>C (p.Ser1451Thr)

Gene: CDK12 (cyclin dependent kinase 12; plus strand). Cytogenetic location: 17q12.
Variant type: single nucleotide variant.
Coding change: c.4352G>C on transcript NM_016507.4 (MANE Select); coding-DNA position 4352, G replaced by C.
Protein change: p.Ser1451Thr; replaces serine 1451 with threonine.
Molecular consequence: missense variant.
Genome position (GRCh38, 1-based): chr17:39,531,195, G>C. VCF-style: chr17-39531195-G-C. GRCh37 (hg19) VCF-style: chr17-37687448-G-C.
Other names: c.4325G>C, p.Ser1442Thr (NM_015083.4); short protein forms S1442T, S1451T.
Identifiers: ClinVar variation 4224435 (VCV004224435.1).
Genomic context (GRCh38, chr17:39,531,195, plus strand): 5'-TACATGCAGAGACCAAATTGCAAAACTATGGGGAGCTGGGGCCAGGAACCACTGGGGCCA[G>C]CAGCTCAGGAGCAGGCCTTCACTGGGGGGGCCCAACTCAGTCTTCTGCTTATGGAAAACT-3'
Protein context (NP_057591.2, residues 1441-1461): GELGPGTTGA[Ser1451Thr]SSGAGLHWGG

ClinVar aggregate classification (germline): Uncertain significance (1 of 4 stars; one submission).

Submission:

Ambry Genetics
Classification: Uncertain significance. Last evaluated: 2025-09-01. Review status: criteria provided, single submitter. Criteria: Ambry Variant Classification Scheme 2023. Collection method: clinical testing. Allele origin: germline.
Comment: The p.S1451T variant (also known as c.4352G>C), located in coding exon 14 of the CDK12 gene, results from a G to C substitution at nucleotide position 4352. The serine at codon 1451 is replaced by threonine, an amino acid with similar properties. This amino acid position is conserved. In addition, this alteration is predicted to be tolerated by in silico analysis. Based on the available evidence, the clinical significance of this variant remains unclear.